The following is an entry in ClinVar:

NM_001267550.2(TTN):c.22576G>T (p.Val7526Phe)

Gene: TTN (titin; minus strand). Cytogenetic location: 2q31.2.
Variant type: single nucleotide variant.
Coding change: c.22576G>T on transcript NM_001267550.2 (MANE Select); coding-DNA position 22576, G replaced by T.
Protein change: p.Val7526Phe; replaces valine 7526 with phenylalanine.
Molecular consequence: missense variant. On other transcripts: intron variant (3).
Genome position (GRCh38, 1-based): chr2:178,722,087, C>A on the plus strand (G>T on the coding strand, the complement: TTN is on the minus strand). VCF-style: chr2-178722087-C-A. GRCh37 (hg19) VCF-style: chr2-179586814-C-A.
Other names: c.22576G>T (NM_001267550.1); c.21625G>T, p.Val7209Phe (NM_001256850.1); c.18844G>T, p.Val6282Phe (NM_133378.4); c.13282+15995G>T (NM_003319.4); c.13858+15995G>T (NM_133437.4); c.13657+15995G>T (NM_133432.3); short protein forms V6282F, V7209F, V7526F.
Identifiers: ClinVar variation 1162948 (VCV001162948.13), dbSNP rs754972548, ClinGen allele CA2000805.

ClinVar aggregate classification (germline): Conflicting classifications of pathogenicity. Review status: criteria provided, conflicting classifications (1 of 4 stars). 5 submissions from 5 submitters: Uncertain significance (4); Likely benign (1). Last evaluated 2025-10-03.

Conditions:
TTN-related disorder. Also called: TTN-related disorders; TTN-related condition; TTN-related disease.

Allele frequency attached by ClinVar (database versions not stated): gnomAD exomes 0.00004 and 0.00008; ExAC 0.00006; gnomAD 0.00006; TOPMed 0.00006.
gnomAD v4.1: 127 of 1,607,286 alleles (0.0079%); highest among the groups gnomAD compares: Non-Finnish European, 0.011%; no homozygotes.

Submissions (5):

PreventionGenetics, part of Exact Sciences
Classification: Uncertain significance for TTN-related condition. Last evaluated: 2025-10-03. Review status: criteria provided, single submitter. Criteria: ACMG Guidelines, 2015. Collection method: clinical testing. Allele origin: germline.
Comment: The TTN c.22576G>T variant is predicted to result in the amino acid substitution p.Val7526Phe. To our knowledge, this variant has not been reported in the literature. This variant is reported in 0.0079% of alleles in individuals of European (Non-Finnish) descent in gnomAD. At this time, the clinical significance of this variant is uncertain due to the absence of conclusive functional and genetic evidence.

Athena Diagnostics
Classification: Uncertain significance. Last evaluated: 2025-05-08. Review status: criteria provided, single submitter. Criteria: Athena Diagnostics Criteria. Collection method: clinical testing. Allele origin: unknown.
Comment: Available data are insufficient to determine the clinical significance of the variant at this time. The frequency of this variant in the general population is uninformative in assessment of its pathogenicity. Polyphen and MutationTaster yielded discordant predictions regarding whether this amino acid change is damaging to the protein.

Mayo Clinic Laboratories, Mayo Clinic
Classification: Uncertain significance. Last evaluated: 2020-11-02. Review status: criteria provided, single submitter. Criteria: ACMG Guidelines, 2015. Collection method: clinical testing. Allele origin: germline. Observed: 1 variant allele.

Revvity Omics, Revvity
Classification: Uncertain significance. Last evaluated: 2020-03-18. Review status: criteria provided, single submitter. Criteria: ACMG Guidelines, 2015. Collection method: clinical testing. Allele origin: germline.

GeneDx
Classification: Likely benign. Last evaluated: 2019-05-22. Review status: criteria provided, single submitter. Criteria: GeneDx Variant Classification Process June 2021. Collection method: clinical testing. Allele origin: germline. Affected: yes.

Literature cited by the submitters: PubMed 30531895 (cited by Athena Diagnostics); PubMed 33432171 (cited by Athena Diagnostics).